The following is an entry in ClinVar:

NM_001378454.1(ALMS1):c.3051G>A (p.Trp1017Ter)

Gene: ALMS1 (ALMS1 centrosome and basal body associated protein; plus strand). Cytogenetic location: 2p13.1.
Variant type: single nucleotide variant.
Coding change: c.3051G>A on transcript NM_001378454.1 (MANE Select); coding-DNA position 3051, G replaced by A.
Protein change: p.Trp1017Ter; replaces tryptophan 1017 with a stop codon.
Molecular consequence: nonsense.
Genome position (GRCh38, 1-based): chr2:73,449,578, G>A. VCF-style: chr2-73449578-G-A. GRCh37 (hg19) VCF-style: chr2-73676705-G-A.
Other names: c.3054G>A, p.Trp1018Ter (NM_015120.4); short protein forms W1017*, W1018*.
Identifiers: ClinVar variation 851909 (VCV000851909.10), dbSNP rs1671883598, ClinGen allele CA347273601.

ClinVar aggregate classification (germline): Pathogenic. Review status: criteria provided, multiple submitters, no conflicts (2 of 4 stars). 2 submissions from 2 submitters: Pathogenic (2). Last evaluated 2024-10-01.

Conditions:
Leber congenital amaurosis (LCA). Also called: Leber's amaurosis. Identifiers: Orphanet 65, MedGen C0339527, MeSH D057130, MONDO:0018998.
Alstrom syndrome (ALMS). Identifiers: Orphanet 64, MedGen C0268425, MONDO:0008763, OMIM 203800.

Allele frequency attached by ClinVar (database versions not stated): gnomAD exomes below 0.00001.
gnomAD v4.1: 2 of 1,613,974 alleles (0.00012%); highest among the groups gnomAD compares: Non-Finnish European, 0.00017%; no homozygotes.

Submissions (2):

Lab De Baere, Eye and Developmental Genetics Lab, Ghent University
Classification: Pathogenic for Leber congenital amaurosis. Last evaluated: 2024-10-01. Review status: criteria provided, single submitter. Criteria: ACMG Guidelines, 2015. Collection method: research. Allele origin: inherited. Affected: yes. Observed: 1 variant allele.
Comment: ACMG/AMP guidelines: PM2, PVS1, PM3_PP

Labcorp Genetics (formerly Invitae), Labcorp
Classification: Pathogenic for Alstrom syndrome. Last evaluated: 2020-02-26. Review status: criteria provided, single submitter. Criteria: Invitae Variant Classification Sherloc (09022015). Collection method: clinical testing. Allele origin: germline.
Comment: For these reasons, this variant has been classified as Pathogenic. Loss-of-function variants in ALMS1 are known to be pathogenic (PMID: 17594715). This variant has been observed in individual(s) with Alstrom syndrome (PMID: 25296579). This variant is not present in population databases (ExAC no frequency). This sequence change creates a premature translational stop signal (p.Trp1018*) in the ALMS1 gene. It is expected to result in an absent or disrupted protein product.

Literature cited by the submitters: PubMed 17594715 (cited by Labcorp Genetics (formerly Invitae), Labcorp); PubMed 25296579 (cited by Labcorp Genetics (formerly Invitae), Labcorp).